The following is an entry in ClinVar:

NM_000090.4(COL3A1):c.3058G>T (p.Gly1020Cys)

Gene: COL3A1 (collagen type III alpha 1 chain; plus strand). Cytogenetic location: 2q32.2.
Variant type: single nucleotide variant.
Coding change: c.3058G>T on transcript NM_000090.4 (MANE Select); coding-DNA position 3058, G replaced by T.
Protein change: p.Gly1020Cys; replaces glycine 1020 with cysteine.
Molecular consequence: missense variant.
Genome position (GRCh38, 1-based): chr2:189,006,224, G>T. VCF-style: chr2-189006224-G-T. GRCh37 (hg19) VCF-style: chr2-189870950-G-T.
Other names: short protein forms G1020C.
Identifiers: ClinVar variation 3338322 (VCV003338322.2).

ClinVar aggregate classification (germline): Likely pathogenic (1 of 4 stars; one submission).

Conditions:
Ehlers-Danlos syndrome, type 4 (EDSVASC). Also called: Ehlers-Danlos syndrome vascular type; Ehlers Danlos syndrome, ecchymotic type; Ehlers Danlos syndrome, arterial type; Ehlers Danlos syndrome, Sack-Barabas type; Ehlers-Danlos Syndrome Type IV. Identifiers: Orphanet 286, MedGen C0268338, MONDO:0017314, OMIM 130050.

Submission:

Molecular Genetics and NGS Laboratory, Hospital Fundacion Valle Del Lili
Classification: Likely pathogenic for Ehlers-Danlos syndrome, type 4. Last evaluated: 2024-08-15. Review status: criteria provided, single submitter. Criteria: ACMG Guidelines, 2015. Collection method: clinical testing. Allele origin: germline. Affected: yes. Observed: 1 variant allele.
Comment: MetaRNN = 0.997 is greater than 0.939 ⇒ strong pathogenic (PP3).UniProt protein CO3A1_HUMAN region of interest 'Triple-helical region' has 1294 missense/in-frame variants (637 pathogenic variants, 644 uncertain variants and 13 benign variants), which qualifies as moderate pathogenic.UniProt protein CO3A1_HUMAN region of interest 'Disordered' has 1354 missense/in-frame variants (638 pathogenic variants, 703 uncertain variants and 13 benign variants), which qualifies as moderate pathogenic (PM1). Alternative variant chr2:189006225 G>A (Gly1020Asp) is classified Pathogenic by LOVD (confirmed using the germline classifier) (PM5).Variant not found in gnomAD genomes, Variant not found in gnomAD exomes (PM2).